The following is an entry in ClinVar:

ClinVar aggregate classification (germline): Likely benign. Review status: criteria provided, multiple submitters, no conflicts (2 of 4 stars). 2 submissions from 2 submitters: Likely benign (2). Last evaluated 2025-03-24.

Conditions:
PIBF1-related disorder. Also called: PIBF1-related condition.

Allele frequency attached by ClinVar (database versions not stated): TOPMed below 0.00001; gnomAD exomes 0.00003 and 0.00007; ExAC 0.00006.
gnomAD v4.1: 39 of 1,605,346 alleles (0.0024%); highest among the groups gnomAD compares: South Asian, 0.038%; 1 homozygote.

Submissions (2):

PreventionGenetics, part of Exact Sciences
Classification: Likely benign for PIBF1-related condition. Last evaluated: 2025-03-24. Review status: criteria provided, single submitter. Criteria: ACMG Guidelines, 2015. Collection method: clinical testing. Allele origin: germline.
Comment: This variant is classified as likely benign based on ACMG/AMP sequence variant interpretation guidelines (Richards et al. 2015 PMID: 25741868, with internal and published modifications).

Labcorp Genetics (formerly Invitae), Labcorp
Classification: Likely benign. Last evaluated: 2022-10-13. Review status: criteria provided, single submitter. Criteria: Invitae Variant Classification Sherloc (09022015). Collection method: clinical testing. Allele origin: germline.

NM_006346.4(PIBF1):c.1365A>G (p.Glu455=)

Gene: PIBF1 (progesterone immunomodulatory binding factor 1; plus strand). Cytogenetic location: 13q22.1.
Variant type: single nucleotide variant.
Coding change: c.1365A>G on transcript NM_006346.4 (MANE Select); coding-DNA position 1365, A replaced by G.
Protein change: p.Glu455=; no amino-acid change (glutamic acid 455 retained).
Molecular consequence: synonymous variant. On other transcripts: non-coding transcript variant (2).
Genome position (GRCh38, 1-based): chr13:72,893,826, A>G. VCF-style: chr13-72893826-A-G. GRCh37 (hg19) VCF-style: chr13-73467964-A-G.
Other names: c.1452A>G, p.Glu484= (NM_001349655.2); c.1365A>G (NM_006346.2).
Identifiers: ClinVar variation 1605938 (VCV001605938.9), dbSNP rs756349431, ClinGen allele CA7002252.